The following is an entry in ClinVar:

NM_001382567.1(STIM1):c.45CCT[1] (p.Leu17del)

Gene: STIM1 (stromal interaction molecule 1; plus strand). Cytogenetic location: 11p15.4.
Variant type: Microsatellite.
Coding change: c.45CCT[1] on transcript NM_001382567.1 (MANE Select); one copy of the 3-base unit CCT starting at c.45; the reference has two copies in a row; one copy, 3 bases deleted.
Protein change: p.Leu17del; deletes leucine 17.
Molecular consequence: inframe deletion. On other transcripts: 5 prime UTR variant (1), non-coding transcript variant (3), intron variant (10).
Genome position (GRCh38, 1-based): chr11:3,856,318-3,856,320, CCT deleted; deleting any 3 consecutive bases within chr11:3,856,313-3,856,320 gives the same sequence; the position shown is the placement nearest the transcript's 3' end. VCF-style (leftmost placement, unchanged base first): chr11-3856312-ACTC-A. GRCh37 (hg19) VCF-style: chr11-3877542-ACTC-A.
Other names: c.45CCT[1], p.Leu17del (NM_001277961.3, NM_001277962.2, NM_001382568.1 and 3 more transcripts); c.41CCT[1], p.Ser15del (NM_001382569.1); c.-193CCT[1] (NM_001382571.1); c.-84+1582_-84+1584del (NM_001382578.1, NM_001382575.1, NM_001382574.1); c.-220+1582_-220+1584del (NM_001382580.1, NM_001382581.1); c.-84+1664_-84+1666del (NM_001382576.1); c.-84+902_-84+904del (NM_001382566.1, NM_001382579.1, NM_001382577.1 and 1 more transcripts); short protein forms L17del, S15del.
Identifiers: ClinVar variation 2925807 (VCV002925807.3), dbSNP rs1565090966, ClinGen allele CA597434401.

ClinVar aggregate classification (germline): Uncertain significance (1 of 4 stars; one submission).

Conditions:
Stormorken syndrome (STRMK). Also called: THROMBOCYTOPATHY, ASPLENIA, AND MIOSIS. Identifiers: Orphanet 3204, MedGen C1861451, MONDO:0008497, OMIM 185070.
Combined immunodeficiency due to STIM1 deficiency. Also called: IMMUNODEFICIENCY 10; STIM1 DEFICIENCY. Identifiers: Orphanet 169090, Orphanet 317430, MedGen C2748557, MONDO:0013008, OMIM 612783.
Myopathy with tubular aggregates (TAM). Also called: Tubular Aggregate Myopathy. Identifiers: Orphanet 2593, MedGen C0410207, MONDO:0008051.

Submission:

Labcorp Genetics (formerly Invitae), Labcorp
Classification: Uncertain significance for Myopathy with tubular aggregates; Combined immunodeficiency due to STIM1 deficiency; Stormorken syndrome. Last evaluated: 2023-11-21. Review status: criteria provided, single submitter. Criteria: Invitae Variant Classification Sherloc (09022015). Collection method: clinical testing. Allele origin: germline.
Comment: This variant, c.48_50del, results in the deletion of 1 amino acid(s) of the STIM1 protein (p.Leu17del), but otherwise preserves the integrity of the reading frame. This variant is present in population databases (no rsID available, gnomAD 0.003%). This variant has not been reported in the literature in individuals affected with STIM1-related conditions. Experimental studies and prediction algorithms are not available or were not evaluated, and the functional significance of this variant is currently unknown. In summary, the available evidence is currently insufficient to determine the role of this variant in disease. Therefore, it has been classified as a Variant of Uncertain Significance.